The following is an entry in ClinVar:

NM_000090.4(COL3A1):c.3201+20A>G

Gene: COL3A1 (collagen type III alpha 1 chain; plus strand). Cytogenetic location: 2q32.2.
Variant type: single nucleotide variant.
Coding change: c.3201+20A>G on transcript NM_000090.4 (MANE Select); 20 bases into the intron after coding-DNA position 3201, A replaced by G.
Molecular consequence: intron variant.
Genome position (GRCh38, 1-based): chr2:189,006,472, A>G. VCF-style: chr2-189006472-A-G. GRCh37 (hg19) VCF-style: chr2-189871198-A-G.
Identifiers: ClinVar variation 1217294 (VCV001217294.1), dbSNP rs2153503735, ClinGen allele CA2499215539.

ClinVar aggregate classification (germline): Uncertain significance (1 of 4 stars; one submission).

gnomAD v4.1: 1 of 1,609,400 alleles (0.000062%); highest among the groups gnomAD compares: Non-Finnish European, 0.000085%; no homozygotes.

Submission:

Women's Health and Genetics/Laboratory Corporation of America, LabCorp
Classification: Uncertain significance. Last evaluated: 2021-08-09. Review status: criteria provided, single submitter. Criteria: LabCorp Variant Classification Summary - May 2015. Collection method: clinical testing. Allele origin: germline.
Comment: Variant summary: COL3A1 c.3201+20A>G alters a non-conserved nucleotide located close to a canonical splice site and therefore could affect mRNA splicing, leading to a significantly altered protein sequence. 4/4 computational tools predict no significant impact on normal splicing. However, these predictions have yet to be confirmed by functional studies. The variant was absent in 249708 control chromosomes (gnomAD). The available data on variant occurrences in the general population are insufficient to allow any conclusion about variant significance. To our knowledge, no occurrence of c.3201+20A>G in individuals affected with Ehlers-Danlos Syndrome, Vascular Type and no experimental evidence demonstrating its impact on protein function have been reported. No clinical diagnostic laboratories have submitted clinical-significance assessments for this variant to ClinVar after 2014. Based on the evidence outlined above, the variant was classified as uncertain significance.